The following is an entry in ClinVar:

ClinVar aggregate classification (germline): Pathogenic (1 of 4 stars; one submission).

Conditions:
Duchenne muscular dystrophy (DMD). Also called: MUSCULAR DYSTROPHY, PSEUDOHYPERTROPHIC PROGRESSIVE, DUCHENNE TYPE; Duchenne Muscular Dystrophy (DMD). Identifiers: Orphanet 98896, MedGen C0013264, MONDO:0010679, OMIM 310200.

Submission:

Labcorp Genetics (formerly Invitae), Labcorp
Classification: Pathogenic for Duchenne muscular dystrophy. Last evaluated: 2026-01-02. Review status: criteria provided, single submitter. Criteria: Invitae Variant Classification Sherloc (09022015). Collection method: clinical testing. Allele origin: germline.
Comment: This sequence change creates a premature translational stop signal (p.Lys1533Serfs*13) in the DMD gene. It is expected to result in an absent or disrupted protein product. Loss-of-function variants in DMD are known to be pathogenic (PMID: 16770791, 25007885). This variant is not present in population databases (gnomAD no frequency). This variant has not been reported in the literature in individuals affected with DMD-related conditions. For these reasons, this variant has been classified as Pathogenic.

Literature cited by the submitters: PubMed 16770791; PubMed 25007885.

NM_004006.3(DMD):c.4598del (p.Lys1533fs)

Gene: DMD (dystrophin; minus strand). Cytogenetic location: Xp21.1.
Variant type: Deletion.
Coding change: c.4598del on transcript NM_004006.3 (MANE Select); coding-DNA position 4598, one base deleted (A; older notation c.4598delA).
Protein change: p.Lys1533fs; shifts the reading frame from lysine 1533.
Molecular consequence: frameshift variant.
Genome position (GRCh38, 1-based): chrX:32,386,386, T deleted on the plus strand (A on the coding strand, the reverse complement: DMD is on the minus strand); the first of 5 consecutive T bases (chrX:32,386,386-32,386,390); deleting any one gives the same sequence. VCF-style (leftmost placement, unchanged base first): chrX-32386385-CT-C. GRCh37 (hg19) VCF-style: chrX-32404502-CT-C.
Other names: c.4574del, p.Lys1525fs (NM_000109.4); c.4586del, p.Lys1529fs (NM_004009.3); c.4229del, p.Lys1410fs (NM_004010.3); c.575del, p.Lys192fs (NM_004011.4); c.566del, p.Lys189fs (NM_004012.4); short protein forms K1533fs, K192fs, K1529fs, K189fs, K1410fs, K1525fs.
Identifiers: ClinVar variation 4733669 (VCV004733669.1).